The following is an entry in ClinVar:

ClinVar aggregate classification (germline): Benign/Likely benign. Review status: criteria provided, multiple submitters, no conflicts (2 of 4 stars). 8 submissions from 8 submitters: Benign (7); Likely benign (1). Last evaluated 2026-08-01.

Conditions:
Luscan-Lumish syndrome. Identifiers: Orphanet 597738, MedGen C4085873, MONDO:0014791, OMIM 616831.

Allele frequency attached by ClinVar (database versions not stated): 1000 Genomes Project 30x 0.00094; 1000 Genomes Project 0.00100; gnomAD exomes 0.00327 and 0.00554; TOPMed 0.00337; ExAC 0.00348; gnomAD 0.00385 and 0.00389; ESP Exome Variant Server 0.00431.
gnomAD v4.1: 8,655 of 1,611,750 alleles (0.54%); highest among the groups gnomAD compares: Non-Finnish European, 0.65%; 40 homozygotes.

Submissions (8):

CeGaT Center for Human Genetics Tuebingen
Classification: Benign. Last evaluated: 2026-08-01. Review status: criteria provided, single submitter. Criteria: CeGaT Center For Human Genetics Tuebingen Variant Classification Criteria Version 2. Collection method: clinical testing. Allele origin: germline. Affected: yes. Observed: 27 variant alleles.
Comment: SETD2: BP4, BP7, BS1, BS2

Labcorp Genetics (formerly Invitae), Labcorp
Classification: Benign for Luscan-Lumish syndrome. Last evaluated: 2026-01-12. Review status: criteria provided, single submitter. Criteria: Invitae Variant Classification Sherloc (09022015). Collection method: clinical testing. Allele origin: germline.

Athena Diagnostics
Classification: Benign. Last evaluated: 2025-10-01. Review status: criteria provided, single submitter. Criteria: Athena Diagnostics Criteria. Collection method: clinical testing. Allele origin: unknown.
Comment: The frequency of this variant in the general population is higher than would generally be expected for pathogenic variants in this gene.

Blueprint Genetics
Classification: Likely benign. Last evaluated: 2024-11-19. Review status: criteria provided, single submitter. Criteria: ACMG Guidelines, 2015. Collection method: clinical testing. Allele origin: germline.

Mayo Clinic Laboratories, Mayo Clinic
Classification: Benign. Last evaluated: 2022-10-07. Review status: criteria provided, single submitter. Criteria: ACMG Guidelines, 2015. Collection method: clinical testing. Allele origin: germline. Observed: 4 variant alleles.
Comment: BS1, BS2, BP4, BP7

Genome-Nilou Lab
Classification: Benign for Luscan-Lumish syndrome. Last evaluated: 2022-03-15. Review status: criteria provided, single submitter. Criteria: ACMG Guidelines, 2015. Collection method: clinical testing. Allele origin: germline. Affected: no.

GeneDx
Classification: Benign. Last evaluated: 2020-03-30. Review status: criteria provided, single submitter. Criteria: GeneDx Variant Classification Process June 2021. Collection method: clinical testing. Allele origin: germline. Affected: yes.

Breakthrough Genomics
Classification: Benign. Review status: criteria provided, single submitter. Criteria: ACMG Guidelines, 2015. Collection method: not provided. Allele origin: germline. Inheritance: Autosomal dominant inheritance. Affected: yes.

NM_014159.7(SETD2):c.5271C>T (p.Leu1757=)

Gene: SETD2 (SET domain containing 2, histone lysine methyltransferase; minus strand). Cytogenetic location: 3p21.31.
Variant type: single nucleotide variant.
Coding change: c.5271C>T on transcript NM_014159.7 (MANE Select); coding-DNA position 5271, C replaced by T.
Protein change: p.Leu1757=; no amino-acid change (leucine 1757 retained).
Molecular consequence: synonymous variant. On other transcripts: non-coding transcript variant (1).
Genome position (GRCh38, 1-based): chr3:47,088,119, G>A on the plus strand (C>T on the coding strand, the complement: SETD2 is on the minus strand). VCF-style: chr3-47088119-G-A. GRCh37 (hg19) VCF-style: chr3-47129609-G-A.
Other names: p.Leu1757=; c.5139C>T, p.Leu1713= (NM_001349370.3).
Identifiers: ClinVar variation 475524 (VCV000475524.48), dbSNP rs144825663, ClinGen allele CA2362949.